The following is an entry in ClinVar:

NM_001040716.2(PC):c.1132dup (p.Val378fs)

Gene: PC (pyruvate carboxylase; minus strand). Cytogenetic location: 11q13.2.
Variant type: Duplication.
Coding change: c.1132dup on transcript NM_001040716.2 (MANE Select); coding-DNA position 1132, one base duplicated (G; older notation c.1132dupG).
Protein change: p.Val378fs; shifts the reading frame from valine 378.
Molecular consequence: frameshift variant.
Genome position (GRCh38, 1-based): chr11:66,866,240, C duplicated on the plus strand (G on the coding strand, the reverse complement: PC is on the minus strand); the first of 3 consecutive C bases (chr11:66,866,240-66,866,242); duplicating any one gives the same sequence. VCF-style (leftmost placement, unchanged base first): chr11-66866239-A-AC. GRCh37 (hg19) VCF-style: chr11-66633710-A-AC.
Other names: c.1132dup, p.Val378fs (NM_000920.4, NM_001439352.1, NM_001439353.1 and 5 more transcripts); short protein forms V378fs.
Identifiers: ClinVar variation 5011787 (VCV005011787.1).
Genomic context (GRCh38, chr11:66,866,239, plus strand): 5'-CCGCCCACCTCAATGCGGCCGGTGTCCGGCTGGAAGCTGCGCGCGGGGTCCTCGGTGGTG[A>AC]CCCGGCACTGGATGGCACACCCGTTGATGCGGATGTTCTCCTGCCGCAGGCCCAGGTCGG-3'

ClinVar aggregate classification (germline): Pathogenic (1 of 4 stars; one submission).

Conditions:
Pyruvate carboxylase deficiency. Also called: ATAXIA WITH LACTIC ACIDOSIS II; LEIGH NECROTIZING ENCEPHALOPATHY DUE TO PYRUVATE CARBOXYLASE DEFICIENCY; LEIGH SYNDROME DUE TO PYRUVATE CARBOXYLASE DEFICIENCY; PC DEFICIENCY; Pyruvate Carboxylase Deficiency Disease. Identifiers: Orphanet 3008, MedGen C0034341, MONDO:0009949, OMIM 266150.

Submission:

Myriad Genetics, Inc.
Classification: Pathogenic for Pyruvate carboxylase deficiency. Last evaluated: 2023-09-27. Review status: criteria provided, single submitter. Criteria: Myriad Autosomal Dominant, Autosomal Recessive and X-Linked Classification Criteria (2023). Collection method: clinical testing. Allele origin: unknown.
Comment: NM_000920.3(PC):c.1132dupG(V378Gfs*18) is expected to be pathogenic in the context of pyruvate carboxylase deficiency. This variant is predicted to lead to an abnormal or absent protein product due to the creation of a premature termination codon in PC, a gene where loss-of-function variants are known to be pathogenic. Please note: this variant was assessed in the context of healthy population screening.